The following is an entry in ClinVar:

ClinVar aggregate classification (germline): Uncertain significance (1 of 4 stars; one submission).

Submission:

GeneDx
Classification: Uncertain significance. Last evaluated: 2024-04-24. Review status: criteria provided, single submitter. Criteria: GeneDx Variant Classification Process June 2021. Collection method: clinical testing. Allele origin: germline. Affected: yes.
Comment: Not observed at significant frequency in large population cohorts (gnomAD); In silico analysis supports that this missense variant has a deleterious effect on protein structure/function; Has not been previously published as pathogenic or benign to our knowledge

NM_001318510.2(ACSL4):c.1487C>T (p.Thr496Ile)

Gene: ACSL4 (acyl-CoA synthetase long chain family member 4; minus strand). Cytogenetic location: Xq23.
Variant type: single nucleotide variant.
Coding change: c.1487C>T on transcript NM_001318510.2 (MANE Select); coding-DNA position 1487, C replaced by T.
Protein change: p.Thr496Ile; replaces threonine 496 with isoleucine.
Molecular consequence: missense variant.
Genome position (GRCh38, 1-based): chrX:109,663,306, G>A on the plus strand (C>T on the coding strand, the complement: ACSL4 is on the minus strand). VCF-style: chrX-109663306-G-A. GRCh37 (hg19) VCF-style: chrX-108906535-G-A.
Other names: c.1610C>T, p.Thr537Ile (NM_001318509.2, NM_022977.3); c.1487C>T, p.Thr496Ile (NM_004458.3); short protein forms T496I, T537I.
Identifiers: ClinVar variation 2571842 (VCV002571842.2), dbSNP rs2521017221, ClinGen allele CA414215458.